The following is an entry in ClinVar:

NM_001105206.3(LAMA4):c.2924T>C (p.Leu975Pro)

Gene: LAMA4 (laminin subunit alpha 4; minus strand). Cytogenetic location: 6q21.
Variant type: single nucleotide variant.
Coding change: c.2924T>C on transcript NM_001105206.3 (MANE Select); coding-DNA position 2924, T replaced by C.
Protein change: p.Leu975Pro; replaces leucine 975 with proline.
Molecular consequence: missense variant.
Genome position (GRCh38, 1-based): chr6:112,140,812, A>G on the plus strand (T>C on the coding strand, the complement: LAMA4 is on the minus strand). VCF-style: chr6-112140812-A-G. GRCh37 (hg19) VCF-style: chr6-112462014-A-G.
Other names: c.2903T>C, p.Leu968Pro (NM_001105207.3, NM_002290.5); short protein forms L975P, L968P.
Identifiers: ClinVar variation 2139871 (VCV002139871.4), dbSNP rs1554332946, ClinGen allele CA365379646.

ClinVar aggregate classification (germline): Uncertain significance (1 of 4 stars; one submission).

Conditions:
Dilated cardiomyopathy 1JJ (CMD1JJ). Identifiers: Orphanet 154, MedGen C3808935, MONDO:0014095, OMIM 615235.

Allele frequency attached by ClinVar (database versions not stated): gnomAD exomes 0.00001.
gnomAD v4.1: 4 of 1,614,090 alleles (0.00025%); highest among the groups gnomAD compares: South Asian, 0.0033%; no homozygotes.

Submission:

Labcorp Genetics (formerly Invitae), Labcorp
Classification: Uncertain significance for Dilated cardiomyopathy 1JJ. Last evaluated: 2022-04-01. Review status: criteria provided, single submitter. Criteria: Invitae Variant Classification Sherloc (09022015). Collection method: clinical testing. Allele origin: germline.
Comment: This variant has not been reported in the literature in individuals affected with LAMA4-related conditions. In summary, the available evidence is currently insufficient to determine the role of this variant in disease. Therefore, it has been classified as a Variant of Uncertain Significance. Algorithms developed to predict the effect of missense changes on protein structure and function (SIFT, PolyPhen-2, Align-GVGD) all suggest that this variant is likely to be disruptive. This variant is present in population databases (no rsID available, gnomAD 0.003%). This sequence change replaces leucine, which is neutral and non-polar, with proline, which is neutral and non-polar, at codon 968 of the LAMA4 protein (p.Leu968Pro).